The following is an entry in ClinVar:

NM_015322.5(FEM1B):c.1485T>C (p.Asn495=)

Gene: FEM1B (fem-1 homolog B; plus strand). Cytogenetic location: 15q23.
Variant type: single nucleotide variant.
Coding change: c.1485T>C on transcript NM_015322.5 (MANE Select); coding-DNA position 1485, T replaced by C.
Protein change: p.Asn495=; no amino-acid change (asparagine 495 retained).
Molecular consequence: synonymous variant.
Genome position (GRCh38, 1-based): chr15:68,290,843, T>C. VCF-style: chr15-68290843-T-C. GRCh37 (hg19) VCF-style: chr15-68583181-T-C.
Identifiers: ClinVar variation 5039863 (VCV005039863.1).

ClinVar aggregate classification (germline): Likely benign (1 of 4 stars; one submission).

Submission:

CeGaT Center for Human Genetics Tuebingen
Classification: Likely benign. Last evaluated: 2026-07-01. Review status: criteria provided, single submitter. Criteria: CeGaT Center For Human Genetics Tuebingen Variant Classification Criteria Version 2. Collection method: clinical testing. Allele origin: germline. Affected: yes. Observed: 1 variant allele.
Comment: FEM1B: BP4, BP7